The following is an entry in ClinVar:

ClinVar aggregate classification (germline): Likely benign (1 of 4 stars; one submission).

Allele frequency attached by ClinVar (database versions not stated): gnomAD exomes 0.00016; ExAC 0.00031; ESP Exome Variant Server 0.00080; gnomAD 0.00083; TOPMed 0.00095; 1000 Genomes Project 0.00160; 1000 Genomes Project 30x 0.00187.
gnomAD v4.1: 234 of 781,018 alleles (0.03%); highest among the groups gnomAD compares: African/African-American, 0.32%; no homozygotes.

Submission:

CeGaT Center for Human Genetics Tuebingen
Classification: Likely benign. Last evaluated: 2022-06-01. Review status: criteria provided, single submitter. Criteria: CeGaT Center For Human Genetics Tuebingen Variant Classification Criteria Version 2. Collection method: clinical testing. Allele origin: germline. Affected: yes. Observed: 1 variant allele.
Comment: ZNF236: BP4, BP7

NM_001306089.2(ZNF236):c.55+1740C>T

Gene: ZNF236 (zinc finger protein 236; plus strand). Cytogenetic location: 18q23.
Variant type: single nucleotide variant.
Coding change: c.55+1740C>T on transcript NM_001306089.2 (MANE Select); 1740 bases into the intron after coding-DNA position 55, C replaced by T.
Molecular consequence: intron variant. On other transcripts: synonymous variant (1).
Genome position (GRCh38, 1-based): chr18:76,824,402, C>T. VCF-style: chr18-76824402-C-T. GRCh37 (hg19) VCF-style: chr18-74536358-C-T.
Other names: c.45C>T, p.Asp15= (NM_007345.4).
Identifiers: ClinVar variation 2648817 (VCV002648817.24), dbSNP rs150569534, ClinGen allele CA9003737.